The following is an entry in ClinVar:

ClinVar aggregate classification (germline): Pathogenic/Likely pathogenic. Review status: criteria provided, multiple submitters, no conflicts (2 of 4 stars). 2 submissions from 2 submitters: Pathogenic (1); Likely pathogenic (1). Last evaluated 2022-03-11.

Conditions:
FANCA-related disorders.
Fanconi anemia (FA). Also called: Fanconi's anemia. Identifiers: Orphanet 84, MedGen C0015625, MeSH D005199, MONDO:0019391.

Submissions (2):

Labcorp Genetics (formerly Invitae), Labcorp
Classification: Pathogenic for Fanconi anemia. Last evaluated: 2022-03-11. Review status: criteria provided, single submitter. Criteria: Invitae Variant Classification Sherloc (09022015). Collection method: clinical testing. Allele origin: germline.
Comment: For these reasons, this variant has been classified as Pathogenic. This variant has not been reported in the literature in individuals affected with FANCA-related conditions. This variant is not present in population databases (gnomAD no frequency). This sequence change creates a premature translational stop signal (p.Pro67Hisfs*11) in the FANCA gene. It is expected to result in an absent or disrupted protein product. Loss-of-function variants in FANCA are known to be pathogenic (PMID: 19367192).

Blueprint Genetics
Classification: Likely pathogenic for FANCA-related disorders. Last evaluated: 2018-05-23. Review status: criteria provided, single submitter. Criteria: ACMG Guidelines, 2015. Collection method: clinical testing. Allele origin: germline. Affected: yes. Observed: 1 variant allele.

Literature cited by the submitters: PubMed 19367192 (cited by Labcorp Genetics (formerly Invitae), Labcorp).

NM_000135.4(FANCA):c.200del (p.Pro67fs)

Gene: FANCA (FA complementation group A; minus strand). Cytogenetic location: 16q24.3.
Variant type: Deletion.
Coding change: c.200del on transcript NM_000135.4 (MANE Select); coding-DNA position 200, one base deleted (C; older notation c.200delC).
Protein change: p.Pro67fs; shifts the reading frame from proline 67.
Molecular consequence: frameshift variant.
Genome position (GRCh38, 1-based): chr16:89,814,603, G deleted on the plus strand (C on the coding strand, the reverse complement: FANCA is on the minus strand); the first of 2 consecutive G bases (chr16:89,814,603-89,814,604); deleting either gives the same sequence. VCF-style (leftmost placement, unchanged base first): chr16-89814602-TG-T. GRCh37 (hg19) VCF-style: chr16-89881010-TG-T.
Other names: c.200del, p.Pro67fs (NM_001018112.3, NM_001286167.3, NM_001351830.2); short protein forms P67fs.
Identifiers: ClinVar variation 1958135 (VCV001958135.6), dbSNP rs2544382541, ClinGen allele CA2580092389.